The following is an entry in ClinVar:

NM_000038.6(APC):c.3255dup (p.His1086fs)

Gene: APC (APC regulator of Wnt signaling pathway; plus strand). Cytogenetic location: 5q22.2.
Variant type: Duplication.
Coding change: c.3255dup on transcript NM_000038.6 (MANE Select); coding-DNA position 3255, one base duplicated (A; older notation c.3255dupA).
Protein change: p.His1086fs; shifts the reading frame from histidine 1086.
Molecular consequence: frameshift variant. On other transcripts: non-coding transcript variant (2).
Genome position (GRCh38, 1-based): chr5:112,838,849, A duplicated; the last of 3 consecutive A bases (chr5:112,838,847-112,838,849); duplicating any one gives the same sequence. VCF-style (leftmost placement, unchanged base first): chr5-112838846-T-TA. GRCh37 (hg19) VCF-style: chr5-112174543-T-TA.
Other names: c.3255dup, p.His1086fs (NM_001127510.3, NM_001354895.2, NM_001407450.1); c.3201dup, p.His1068fs (NM_001127511.3); c.3309dup, p.His1104fs (NM_001354896.2, NM_001407447.1, NM_001407448.1 and 1 more transcripts); c.3285dup, p.His1096fs (NM_001354897.2); c.3180dup, p.His1061fs (NM_001354898.2); c.3171dup, p.His1058fs (NM_001354899.2); c.3132dup, p.His1045fs (NM_001354900.2); c.3078dup, p.His1027fs (NM_001354901.2, NM_001407453.1); and 12 more; short protein forms H1003fs, H1027fs, H1045fs, H1058fs, H1061fs, H1068fs, H1076fs, H1079fs.
Identifiers: ClinVar variation 2583892 (VCV002583892.5), dbSNP rs2533483718, ClinGen allele CA2582341499.
Genomic context (GRCh38, chr5:112,838,846, plus strand): 5'-GCAAAGACAATCAAGGAATCAAAGTACAACTTATCCTGTTTATACTGAGAGCACTGATGA[T>TA]AAACACCTCAAGTTCCAACCACATTTTGGACAGCAGGAATGTGTTTCTCCATACAGGTCA-3'

ClinVar aggregate classification (germline): Pathogenic/Likely pathogenic. Review status: criteria provided, multiple submitters, no conflicts (2 of 4 stars). 3 submissions from 3 submitters: Pathogenic (2); Likely pathogenic (1). Last evaluated 2026-06-16.

Conditions:
Familial adenomatous polyposis 1 (FAP1). Also called: FAMILIAL ADENOMATOUS POLYPOSIS 1, ATTENUATED; POLYPOSIS, ADENOMATOUS INTESTINAL. Identifiers: MedGen C2713442, MONDO:0021056, OMIM 175100. Disease mechanism: loss of function.
Hereditary cancer-predisposing syndrome. Also called: Hereditary neoplastic syndrome; Hereditary Cancer Syndrome; Neoplastic Syndromes, Hereditary; Tumor predisposition. Identifiers: Orphanet 140162, MedGen C0027672, MeSH D009386, MONDO:0015356.

Submissions (3):

Ambry Genetics
Classification: Likely pathogenic for Hereditary cancer-predisposing syndrome. Last evaluated: 2026-06-16. Review status: criteria provided, single submitter. Criteria: Ambry Variant Classification Scheme 2023. Collection method: clinical testing. Allele origin: germline.
Comment: The c.3255dupA variant, located in coding exon 15 of the APC gene, results from a duplication of A at nucleotide position 3255, causing a translational frameshift with a predicted alternate stop codon (p.H1086Tfs*33). This alteration occurs at the 3' terminus of theAPC gene, is not expected to trigger nonsense-mediated mRNA decay, and impacts the last 1757 amino acids of the protein. However, premature stop codons are typically deleterious in nature and the impacted region is critical for protein function and a significant portion of the protein is affected (Ambry internal data). This variant is considered to be rare based on population cohorts in the Genome Aggregation Database (gnomAD). Based on the majority of available evidence to date, this variant is likely to be pathogenic.

Labcorp Genetics (formerly Invitae), Labcorp
Classification: Pathogenic for Familial adenomatous polyposis 1. Last evaluated: 2024-07-30. Review status: criteria provided, single submitter. Criteria: Invitae Variant Classification Sherloc (09022015). Collection method: clinical testing. Allele origin: germline.
Comment: This sequence change creates a premature translational stop signal (p.His1086Thrfs*33) in the APC gene. While this is not anticipated to result in nonsense mediated decay, it is expected to disrupt the last 1758 amino acid(s) of the APC protein. This variant is not present in population databases (gnomAD no frequency). This variant has not been reported in the literature in individuals affected with APC-related conditions. ClinVar contains an entry for this variant (Variation ID: 2583892). This variant is expected to disrupt the EB1 and HDLG binding sites, which mediate interactions with the cytoskeleton (PMID: 15311282, 17293347). While functional studies have not been performed to directly test the effect on APC protein function, this suggests that disruption of the C-terminal portion of the protein is functionally important. A different truncation (p.Tyr2645Lysfs*14) that lies downstream of this variant has been determined to be pathogenic (PMID: 9824584, 1316610, 27081525, 8381579, 22135120, Invitae). This suggests that deletion of this region of the APC protein is causative of disease. For these reasons, this variant has been classified as Pathogenic.

Myriad Genetics, Inc.
Classification: Pathogenic for Familial adenomatous polyposis 1. Last evaluated: 2023-05-08. Review status: criteria provided, single submitter. Criteria: Myriad Autosomal Dominant, Autosomal Recessive and X-Linked Classification Criteria (2023). Collection method: clinical testing. Allele origin: unknown.
Comment: This variant is considered pathogenic. This variant creates a frameshift predicted to result in premature protein truncation.

Literature cited by the submitters: PubMed 15311282 (cited by Labcorp Genetics (formerly Invitae), Labcorp); PubMed 17293347 (cited by Labcorp Genetics (formerly Invitae), Labcorp); PubMed 9824584 (cited by Labcorp Genetics (formerly Invitae), Labcorp); PubMed 1316610 (cited by Labcorp Genetics (formerly Invitae), Labcorp); PubMed 27081525 (cited by Labcorp Genetics (formerly Invitae), Labcorp); PubMed 8381579 (cited by Labcorp Genetics (formerly Invitae), Labcorp); PubMed 22135120 (cited by Labcorp Genetics (formerly Invitae), Labcorp).